The following is an entry in ClinVar:

ClinVar aggregate classification (germline): Likely benign. Review status: criteria provided, single submitter (1 of 4 stars). 2 submissions from 2 submitters: Likely benign (1). 1 of the submissions does not count toward it. Last evaluated 2026-01-05.

Conditions:
Usher syndrome type 3B. Also called: USHER SYNDROME, TYPE IIIB. Identifiers: MedGen C3281066, MONDO:0013788, OMIM 614504.
HARS1-related disorder. Also called: HARS1-related condition.

Allele frequency attached by ClinVar (database versions not stated): ExAC 0.00001; gnomAD exomes 0.00001; TOPMed 0.00003; gnomAD 0.00004 and 0.00005.
gnomAD v4.1: 24 of 1,603,312 alleles (0.0015%); highest among the groups gnomAD compares: Middle Eastern, 0.016%; no homozygotes.

Submissions (2):

Labcorp Genetics (formerly Invitae), Labcorp
Classification: Likely benign for Usher syndrome type 3B. Last evaluated: 2026-01-05. Review status: criteria provided, single submitter. Criteria: Invitae Variant Classification Sherloc (09022015). Collection method: clinical testing. Allele origin: germline.

PreventionGenetics, part of Exact Sciences
Classification: Likely benign for HARS1-related condition. Last evaluated: 2019-07-22. Review status: no assertion criteria provided. Collection method: clinical testing. Allele origin: germline. Not counted in ClinVar's aggregate classification.
Comment: This variant is classified as likely benign based on ACMG/AMP sequence variant interpretation guidelines (Richards et al. 2015 PMID: 25741868, with internal and published modifications).

NM_002109.6(HARS1):c.622C>T (p.Leu208=)

Gene: HARS1 (histidyl-tRNA synthetase 1; minus strand). Cytogenetic location: 5q31.3.
Variant type: single nucleotide variant.
Coding change: c.622C>T on transcript NM_002109.6 (MANE Select); coding-DNA position 622, C replaced by T.
Protein change: p.Leu208=; no amino-acid change (leucine 208 retained).
Molecular consequence: synonymous variant.
Genome position (GRCh38, 1-based): chr5:140,677,916, G>A on the plus strand (C>T on the coding strand, the complement: HARS1 is on the minus strand). VCF-style: chr5-140677916-G-A. GRCh37 (hg19) VCF-style: chr5-140057501-G-A.
Other names: c.502C>T, p.Leu168= (NM_001258040.3); c.562C>T, p.Leu188= (NM_001258041.3); c.442C>T, p.Leu148= (NM_001258042.3); c.400C>T, p.Leu134= (NM_001289092.2); c.280C>T, p.Leu94= (NM_001289093.2); c.535C>T, p.Leu179= (NM_001289094.2).
Identifiers: ClinVar variation 745988 (VCV000745988.12), dbSNP rs754094386, ClinGen allele CA3444056.